The following is an entry in ClinVar:

ClinVar aggregate classification (germline): Uncertain significance. Review status: criteria provided, multiple submitters, no conflicts (2 of 4 stars). 3 submissions from 3 submitters: Uncertain significance (3). Last evaluated 2025-02-24.

Conditions:
Inborn genetic diseases. Identifiers: MedGen C0950123, MeSH D030342.
Genitopatellar syndrome (GTPTS). Also called: ABSENT PATELLAE, SCROTAL HYPOPLASIA, RENAL ANOMALIES, FACIAL DYSMORPHISM, AND MENTAL RETARDATION; Genitopatellar syndrome (GPS). Identifiers: Orphanet 85201, MedGen C1853566, MONDO:0011640, OMIM 606170.

gnomAD v4.1: 5 of 1,614,006 alleles (0.00031%); highest among the groups gnomAD compares: African/African-American, 0.004%; no homozygotes.

Submissions (3):

Labcorp Genetics (formerly Invitae), Labcorp
Classification: Uncertain significance for Genitopatellar syndrome. Last evaluated: 2025-02-24. Review status: criteria provided, single submitter. Criteria: Invitae Variant Classification Sherloc (09022015). Collection method: clinical testing. Allele origin: germline.
Comment: This sequence change replaces cysteine, which is neutral and slightly polar, with glycine, which is neutral and non-polar, at codon 1244 of the KAT6B protein (p.Cys1244Gly). This variant is not present in population databases (gnomAD no frequency). This variant has not been reported in the literature in individuals affected with KAT6B-related conditions. ClinVar contains an entry for this variant (Variation ID: 2577085). Invitae Evidence Modeling of protein sequence and biophysical properties (such as structural, functional, and spatial information, amino acid conservation, physicochemical variation, residue mobility, and thermodynamic stability) indicates that this missense variant is not expected to disrupt KAT6B protein function with a negative predictive value of 80%. In summary, the available evidence is currently insufficient to determine the role of this variant in disease. Therefore, it has been classified as a Variant of Uncertain Significance.

Ambry Genetics
Classification: Uncertain significance for Inborn genetic diseases. Last evaluated: 2023-12-15. Review status: criteria provided, single submitter. Criteria: Ambry Variant Classification Scheme 2023. Collection method: clinical testing. Allele origin: germline.

Women's Health and Genetics/Laboratory Corporation of America, LabCorp
Classification: Uncertain significance. Last evaluated: 2023-07-19. Review status: criteria provided, single submitter. Criteria: LabCorp Variant Classification Summary - May 2015. Collection method: clinical testing. Allele origin: germline.
Comment: Variant summary: KAT6B c.3730T>G (p.Cys1244Gly) results in a non-conservative amino acid change in the encoded protein sequence. Three of five in-silico tools predict a benign effect of the variant on protein function. The variant was absent in 251478 control chromosomes (gnomAD). The available data on variant occurrences in the general population are insufficient to allow any conclusion about variant significance. To our knowledge, no occurrence of c.3730T>G in individuals affected with KAT6B-Related Spectrum Disorders and no experimental evidence demonstrating its impact on protein function have been reported. No submitters have cited clinical-significance assessments for this variant to ClinVar after 2014. Based on the evidence outlined above, the variant was classified as uncertain significance.

NM_012330.4(KAT6B):c.3730T>G (p.Cys1244Gly)

Gene: KAT6B (lysine acetyltransferase 6B; plus strand). Cytogenetic location: 10q22.2.
Variant type: single nucleotide variant.
Coding change: c.3730T>G on transcript NM_012330.4 (MANE Select); coding-DNA position 3730, T replaced by G.
Protein change: p.Cys1244Gly; replaces cysteine 1244 with glycine.
Molecular consequence: missense variant.
Genome position (GRCh38, 1-based): chr10:75,028,554, T>G. VCF-style: chr10-75028554-T-G. GRCh37 (hg19) VCF-style: chr10-76788312-T-G.
Other names: c.3181T>G, p.Cys1061Gly (NM_001256468.2, NM_001370138.1); c.2854T>G, p.Cys952Gly (NM_001256469.2, NM_001370139.1, NM_001370140.1 and 2 more transcripts); c.2692T>G, p.Cys898Gly (NM_001370132.1); c.2041T>G, p.Cys681Gly (NM_001370133.1); c.1645T>G, p.Cys549Gly (NM_001370134.1); c.1387T>G, p.Cys463Gly (NM_001370135.1); c.3730T>G, p.Cys1244Gly (NM_001370136.1, NM_001370137.1); c.2665T>G, p.Cys889Gly (NM_001370143.1, NM_001370144.1); and 1 more; short protein forms C1061G, C1244G, C463G, C549G, C681G, C889G, C898G, C952G.
Identifiers: ClinVar variation 2577085 (VCV002577085.5), dbSNP rs751941544, ClinGen allele CA377291534.